The following is an entry in ClinVar:

ClinVar aggregate classification (germline): Uncertain significance (1 of 4 stars; one submission).

gnomAD v4.1: 2 of 1,614,162 alleles (0.00012%); highest among the groups gnomAD compares: Non-Finnish European, 0.00017%; no homozygotes.

Submission:

Labcorp Genetics (formerly Invitae), Labcorp
Classification: Uncertain significance. Last evaluated: 2024-09-29. Review status: criteria provided, single submitter. Criteria: Invitae Variant Classification Sherloc (09022015). Collection method: clinical testing. Allele origin: germline.
Comment: This sequence change replaces glutamine, which is neutral and polar, with arginine, which is basic and polar, at codon 680 of the ABCC8 protein (p.Gln680Arg). This variant is not present in population databases (gnomAD no frequency). This variant has not been reported in the literature in individuals affected with ABCC8-related conditions. An algorithm developed to predict the effect of missense changes on protein structure and function outputs the following: PolyPhen-2: "Benign". The arginine amino acid residue is found in multiple mammalian species, which suggests that this missense change does not adversely affect protein function. In summary, the available evidence is currently insufficient to determine the role of this variant in disease. Therefore, it has been classified as a Variant of Uncertain Significance.

NM_000352.6(ABCC8):c.2039A>G (p.Gln680Arg)

Gene: ABCC8 (ATP binding cassette subfamily C member 8; minus strand). Cytogenetic location: 11p15.1.
Variant type: single nucleotide variant.
Coding change: c.2039A>G on transcript NM_000352.6 (MANE Select); coding-DNA position 2039, A replaced by G.
Protein change: p.Gln680Arg; replaces glutamine 680 with arginine.
Molecular consequence: missense variant. On other transcripts: non-coding transcript variant (1).
Genome position (GRCh38, 1-based): chr11:17,428,290, T>C on the plus strand (A>G on the coding strand, the complement: ABCC8 is on the minus strand). VCF-style: chr11-17428290-T-C. GRCh37 (hg19) VCF-style: chr11-17449837-T-C.
Other names: c.2039A>G, p.Gln680Arg (NM_001287174.3); c.2105A>G, p.Gln702Arg (NM_001351295.2); c.2036A>G, p.Gln679Arg (NM_001351296.2, NM_001351297.2); short protein forms Q679R, Q680R, Q702R.
Identifiers: ClinVar variation 3669032 (VCV003669032.2).